The following is an entry in ClinVar:

NM_177402.5(SYT2):c.179-4G>T

Gene: SYT2 (synaptotagmin 2; minus strand). Cytogenetic location: 1q32.1.
Variant type: single nucleotide variant.
Coding change: c.179-4G>T on transcript NM_177402.5 (MANE Select); 4 bases into the intron before coding-DNA position 179, G replaced by T.
Molecular consequence: intron variant.
Genome position (GRCh38, 1-based): chr1:202,604,625, C>A on the plus strand (G>T on the coding strand, the complement: SYT2 is on the minus strand). VCF-style: chr1-202604625-C-A. GRCh37 (hg19) VCF-style: chr1-202573753-C-A.
Other names: c.179-4G>T (NM_001136504.1).
Identifiers: ClinVar variation 1473894 (VCV001473894.6), dbSNP rs1690636159, ClinGen allele CA2573131465.

ClinVar aggregate classification (germline): Uncertain significance (1 of 4 stars; one submission).

Submission:

Labcorp Genetics (formerly Invitae), Labcorp
Classification: Uncertain significance. Last evaluated: 2023-10-17. Review status: criteria provided, single submitter. Criteria: Invitae Variant Classification Sherloc (09022015). Collection method: clinical testing. Allele origin: germline.
Comment: This sequence change falls in intron 2 of the SYT2 gene. It does not directly change the encoded amino acid sequence of the SYT2 protein. This variant is not present in population databases (gnomAD no frequency). This variant has not been reported in the literature in individuals affected with SYT2-related conditions. ClinVar contains an entry for this variant (Variation ID: 1473894). Algorithms developed to predict the effect of sequence changes on RNA splicing suggest that this variant may create or strengthen a splice site. In summary, the available evidence is currently insufficient to determine the role of this variant in disease. Therefore, it has been classified as a Variant of Uncertain Significance.